The following is an entry in ClinVar:

ClinVar aggregate classification (germline): Uncertain significance (1 of 4 stars; one submission).

Conditions:
Oligodontia-cancer predisposition syndrome. Also called: TOOTH AGENESIS-COLORECTAL CANCER SYNDROME. Identifiers: Orphanet 300576, MedGen C1837750, MONDO:0012075, OMIM 608615. Disease mechanism: loss of function.

Allele frequency attached by ClinVar (database versions not stated): ExAC 0.00001.

Submission:

Labcorp Genetics (formerly Invitae), Labcorp
Classification: Uncertain significance for Oligodontia-cancer predisposition syndrome. Last evaluated: 2023-02-14. Review status: criteria provided, single submitter. Criteria: Invitae Variant Classification Sherloc (09022015). Collection method: clinical testing. Allele origin: germline.
Comment: This sequence change replaces phenylalanine, which is neutral and non-polar, with valine, which is neutral and non-polar, at codon 542 of the AXIN2 protein (p.Phe542Val). This variant is present in population databases (rs771197210, gnomAD 0.0009%). This variant has not been reported in the literature in individuals affected with AXIN2-related conditions. Advanced modeling of protein sequence and biophysical properties (such as structural, functional, and spatial information, amino acid conservation, physicochemical variation, residue mobility, and thermodynamic stability) performed at Invitae indicates that this missense variant is not expected to disrupt AXIN2 protein function. In summary, the available evidence is currently insufficient to determine the role of this variant in disease. Therefore, it has been classified as a Variant of Uncertain Significance.

NM_004655.4(AXIN2):c.1624T>G (p.Phe542Val)

Gene: AXIN2 (axin 2; minus strand). Cytogenetic location: 17q24.1.
Variant type: single nucleotide variant.
Coding change: c.1624T>G on transcript NM_004655.4 (MANE Select); coding-DNA position 1624, T replaced by G.
Protein change: p.Phe542Val; replaces phenylalanine 542 with valine.
Molecular consequence: missense variant.
Genome position (GRCh38, 1-based): chr17:65,537,412, A>C on the plus strand (T>G on the coding strand, the complement: AXIN2 is on the minus strand). VCF-style: chr17-65537412-A-C. GRCh37 (hg19) VCF-style: chr17-63533530-A-C.
Other names: c.1624T>G, p.Phe542Val (NM_001363813.1); short protein forms F542V.
Identifiers: ClinVar variation 2836916 (VCV002836916.3), dbSNP rs771197210, ClinGen allele CA8718597.